The following is an entry in ClinVar:

NM_001242896.3(DEPDC5):c.994A>G (p.Met332Val)

Gene: DEPDC5 (DEP domain containing 5, GATOR1 subcomplex subunit; plus strand). Cytogenetic location: 22q12.3.
Variant type: single nucleotide variant.
Coding change: c.994A>G on transcript NM_001242896.3 (MANE Select); coding-DNA position 994, A replaced by G.
Protein change: p.Met332Val; replaces methionine 332 with valine.
Molecular consequence: missense variant. On other transcripts: non-coding transcript variant (5).
Genome position (GRCh38, 1-based): chr22:31,802,751, A>G. VCF-style: chr22-31802751-A-G. GRCh37 (hg19) VCF-style: chr22-32198737-A-G.
Other names: c.994A>G, p.Met332Val (NM_001007188.4, NM_001136029.4, NM_001242897.2 and 7 more transcripts); c.910A>G, p.Met304Val (NM_001369901.1, NM_001369902.1); short protein forms M304V, M332V.
Identifiers: ClinVar variation 966858 (VCV000966858.11), dbSNP rs763154977, ClinGen allele CA10196198.

ClinVar aggregate classification (germline): Uncertain significance. Review status: criteria provided, multiple submitters, no conflicts (2 of 4 stars). 2 submissions from 2 submitters: Uncertain significance (2). Last evaluated 2025-10-16.

Conditions:
Familial focal epilepsy with variable foci (FPEVF). Identifiers: Orphanet 98820, MedGen C1858477, MONDO:0020310.

Allele frequency attached by ClinVar (database versions not stated): gnomAD exomes below 0.00001; ExAC 0.00001.
gnomAD v4.1: 1 of 1,604,848 alleles (0.000062%); highest among the groups gnomAD compares: South Asian, 0.0011%; no homozygotes.

Submissions (2):

GeneDx
Classification: Uncertain significance. Last evaluated: 2025-10-16. Review status: criteria provided, single submitter. Criteria: GeneDx Variant Classification Process June 2021. Collection method: clinical testing. Allele origin: germline.
Comment: Not observed at significant frequency in large population cohorts (gnomAD); In silico analysis suggests that this missense variant does not alter protein structure/function; Has not been previously published as pathogenic or benign to our knowledge

Labcorp Genetics (formerly Invitae), Labcorp
Classification: Uncertain significance for Familial focal epilepsy with variable foci. Last evaluated: 2024-04-25. Review status: criteria provided, single submitter. Criteria: Invitae Variant Classification Sherloc (09022015). Collection method: clinical testing. Allele origin: germline.
Comment: This sequence change replaces methionine, which is neutral and non-polar, with valine, which is neutral and non-polar, at codon 332 of the DEPDC5 protein (p.Met332Val). This variant is present in population databases (rs763154977, gnomAD 0.003%). This variant has not been reported in the literature in individuals affected with DEPDC5-related conditions. ClinVar contains an entry for this variant (Variation ID: 966858). Experimental studies and prediction algorithms are not available or were not evaluated, and the functional significance of this variant is currently unknown. In summary, the available evidence is currently insufficient to determine the role of this variant in disease. Therefore, it has been classified as a Variant of Uncertain Significance.